The following is an entry in ClinVar:

NM_001374736.1(DST):c.182-5C>T

Gene: DST (dystonin; minus strand). Cytogenetic location: 6p12.1.
Variant type: single nucleotide variant.
Coding change: c.182-5C>T on transcript NM_001374736.1 (MANE Select); 5 bases into the intron before coding-DNA position 182, C replaced by T.
Molecular consequence: intron variant.
Genome position (GRCh38, 1-based): chr6:56,953,824, G>A on the plus strand (C>T on the coding strand, the complement: DST is on the minus strand). VCF-style: chr6-56953824-G-A. GRCh37 (hg19) VCF-style: chr6-56818622-G-A.
Other names: c.182-5C>T (NM_001144769.5, NM_001374722.1, NM_001374734.1); c.-311036C>T (NM_001723.7).
Identifiers: ClinVar variation 1780833 (VCV001780833.4), dbSNP rs554056284, ClinGen allele CA3872037.

ClinVar aggregate classification (germline): Conflicting classifications of pathogenicity. Review status: criteria provided, conflicting classifications (1 of 4 stars). 3 submissions from 3 submitters: Uncertain significance (2); Likely benign (1). Last evaluated 2026-06-18.

Conditions:
DST-related disorder. Also called: DST-related disorders; DST-related condition.
Inborn genetic diseases. Identifiers: MedGen C0950123, MeSH D030342.

Allele frequency attached by ClinVar (database versions not stated): gnomAD exomes 0.00003; gnomAD 0.00005; TOPMed 0.00006; ExAC 0.00012.
gnomAD v4.1: 43 of 1,312,506 alleles (0.0033%); highest among the groups gnomAD compares: Non-Finnish European, 0.0042%; no homozygotes.

Submissions (3):

Women's Health and Genetics/Laboratory Corporation of America, LabCorp
Classification: Uncertain significance. Last evaluated: 2026-06-18. Review status: criteria provided, single submitter. Criteria: LabCorp Variant Classification Summary - May 2015. Collection method: clinical testing. Allele origin: germline.
Comment: Variant summary: DST NM_001144769.5 c.182-5C>T alters a nucleotide located at a position not widely known to affect splicing. Consensus agreement among computation tools predict no significant impact on normal splicing. However, these predictions have yet to be confirmed by functional studies. This variant is also annotated as DST NM_001723.7 c.-311036C>T where it is located in the untranscribed region upstream of the DST gene region. The variant allele was found at a frequency of 4.8e-05 in 167022 control chromosomes. The available data on variant occurrences in the general population are insufficient to allow any conclusion about variant significance. To our knowledge, no occurrence of this variant in individuals affected with DST-related conditions and no experimental evidence demonstrating its impact on protein function have been reported. ClinVar contains an entry for this variant (Variation ID: 1780833). Based on the evidence outlined above, the variant was classified as uncertain significance.

PreventionGenetics, part of Exact Sciences
Classification: Likely benign for DST-related condition. Last evaluated: 2025-05-08. Review status: criteria provided, single submitter. Criteria: ACMG Guidelines, 2015. Collection method: clinical testing. Allele origin: germline.
Comment: This variant is classified as likely benign based on ACMG/AMP sequence variant interpretation guidelines (Richards et al. 2015 PMID: 25741868, with internal and published modifications).

Ambry Genetics
Classification: Uncertain significance for Inborn genetic diseases. Last evaluated: 2021-10-15. Review status: criteria provided, single submitter. Criteria: Ambry Variant Classification Scheme 2023. Collection method: clinical testing. Allele origin: germline.
Comment: The c.182-5C>T intronic variant results from a C to T substitution 5 nucleotides upstream from coding exon 2 in the DST gene. This nucleotide position is not well conserved in available vertebrate species. In silico splice site analysis predicts that this alteration will not have any significant effect on splicing. Since supporting evidence is limited at this time, the clinical significance of this alteration remains unclear.